The following is an entry in ClinVar:

ClinVar aggregate classification (germline): Benign. Review status: criteria provided, multiple submitters, no conflicts (2 of 4 stars). 3 submissions from 3 submitters: Benign (2). 1 of the submissions does not count toward it. Last evaluated 2021-05-06.

Conditions:
NPR3-related disorder. Also called: NPR3-related condition.

Allele frequency attached by ClinVar (database versions not stated): gnomAD exomes 0.00306; ESP Exome Variant Server 0.01068; ExAC 0.01236; 1000 Genomes Project 0.01777; 1000 Genomes Project 30x 0.01889.
gnomAD v4.1: 3,768 of 1,417,250 alleles (0.27%); highest among the groups gnomAD compares: African/African-American, 5%; 81 homozygotes.

Submissions (3):

GeneDx
Classification: Benign. Last evaluated: 2021-05-06. Review status: criteria provided, single submitter. Criteria: GeneDx Variant Classification Process June 2021. Collection method: clinical testing. Allele origin: germline. Affected: yes.

Breakthrough Genomics
Classification: Benign. Review status: criteria provided, single submitter. Criteria: ACMG Guidelines, 2015. Collection method: not provided. Allele origin: germline. Inheritance: Autosomal recessive inheritance. Affected: yes.

PreventionGenetics, part of Exact Sciences
Classification: Benign for NPR3-related condition. Last evaluated: 2020-01-31. Review status: no assertion criteria provided. Collection method: clinical testing. Allele origin: germline. Not counted in ClinVar's aggregate classification.
Comment: This variant is classified as benign based on ACMG/AMP sequence variant interpretation guidelines (Richards et al. 2015 PMID: 25741868, with internal and published modifications).

NM_001204375.2(NPR3):c.-6G>C

Genes: NPR3 (natriuretic peptide receptor 3; plus strand), LOC123493284 (Sharpr-MPRA regulatory region 158; plus strand). Cytogenetic location: 5p13.3.
Variant type: single nucleotide variant.
Coding change: c.-6G>C on transcript NM_001204375.2 (MANE Select); 6 bases upstream of the start codon, G replaced by C.
Molecular consequence: 5 prime UTR variant. On other transcripts: intron variant (4).
Genome position (GRCh38, 1-based): chr5:32,711,771, G>C. VCF-style: chr5-32711771-G-C. GRCh37 (hg19) VCF-style: chr5-32711877-G-C.
Other names: c.-6G>C (NM_000908.4); c.50-12927G>C (NM_001364458.2); c.121+988G>C (NM_001363652.2, NM_001204376.2, NM_001364460.2 and 1 more transcripts).
Identifiers: ClinVar variation 1222371 (VCV001222371.6), dbSNP rs116204726, ClinGen allele CA3222319.